The following is an entry in ClinVar:

NM_006846.4(SPINK5):c.1796C>T (p.Thr599Ile)

Gene: SPINK5 (serine peptidase inhibitor Kazal type 5; plus strand). Cytogenetic location: 5q32.
Variant type: single nucleotide variant.
Coding change: c.1796C>T on transcript NM_006846.4 (MANE Select); coding-DNA position 1796, C replaced by T.
Protein change: p.Thr599Ile; replaces threonine 599 with isoleucine.
Molecular consequence: missense variant.
Genome position (GRCh38, 1-based): chr5:148,111,871, C>T. VCF-style: chr5-148111871-C-T. GRCh37 (hg19) VCF-style: chr5-147491434-C-T.
Other names: c.1796C>T, p.Thr599Ile (NM_001127698.2, NM_001127699.2); short protein forms T599I.
Identifiers: ClinVar variation 2177452 (VCV002177452.4), dbSNP rs2531761878, ClinGen allele CA361640808.

ClinVar aggregate classification (germline): Uncertain significance (1 of 4 stars; one submission).

Conditions:
Ichthyosis linearis circumflexa. Identifiers: MedGen C0265962, MONDO:0043106, HP:0025810.

gnomAD v4.1: 3 of 1,614,014 alleles (0.00019%); highest among the groups gnomAD compares: Non-Finnish European, 0.00025%; no homozygotes.

Submission:

Labcorp Genetics (formerly Invitae), Labcorp
Classification: Uncertain significance for Ichthyosis linearis circumflexa. Last evaluated: 2022-07-17. Review status: criteria provided, single submitter. Criteria: Invitae Variant Classification Sherloc (09022015). Collection method: clinical testing. Allele origin: germline.
Comment: In summary, the available evidence is currently insufficient to determine the role of this variant in disease. Therefore, it has been classified as a Variant of Uncertain Significance. This sequence change replaces threonine, which is neutral and polar, with isoleucine, which is neutral and non-polar, at codon 599 of the SPINK5 protein (p.Thr599Ile). This variant is not present in population databases (gnomAD no frequency). This variant has not been reported in the literature in individuals affected with SPINK5-related conditions. Algorithms developed to predict the effect of missense changes on protein structure and function output the following: SIFT: "Deleterious"; PolyPhen-2: "Benign"; Align-GVGD: "Class C0". The isoleucine amino acid residue is found in multiple mammalian species, which suggests that this missense change does not adversely affect protein function.